The following is an entry in ClinVar:

ClinVar aggregate classification (germline): Uncertain significance (1 of 4 stars; one submission).

Submission:

Labcorp Genetics (formerly Invitae), Labcorp
Classification: Uncertain significance. Last evaluated: 2025-10-16. Review status: criteria provided, single submitter. Criteria: Invitae Variant Classification Sherloc (09022015). Collection method: clinical testing. Allele origin: germline.
Comment: This sequence change replaces serine, which is neutral and polar, with isoleucine, which is neutral and non-polar, at codon 442 of the ARID1B protein (p.Ser442Ile). This variant is not present in population databases (gnomAD no frequency). This variant has not been reported in the literature in individuals affected with ARID1B-related conditions. Invitae Evidence Modeling of protein sequence and biophysical properties (such as structural, functional, and spatial information, amino acid conservation, physicochemical variation, residue mobility, and thermodynamic stability) indicates that this missense variant is not expected to disrupt ARID1B protein function with a negative predictive value of 95%. In summary, the available evidence is currently insufficient to determine the role of this variant in disease. Therefore, it has been classified as a Variant of Uncertain Significance.

NM_001374828.1(ARID1B):c.1574G>T (p.Ser525Ile)

Gene: ARID1B (AT-rich interaction domain 1B; plus strand). Cytogenetic location: 6q25.3.
Variant type: single nucleotide variant.
Coding change: c.1574G>T on transcript NM_001374828.1 (MANE Select); coding-DNA position 1574, G replaced by T.
Protein change: p.Ser525Ile; replaces serine 525 with isoleucine.
Molecular consequence: missense variant.
Genome position (GRCh38, 1-based): chr6:156,779,254, G>T. VCF-style: chr6-156779254-G-T. GRCh37 (hg19) VCF-style: chr6-157100388-G-T.
Other names: c.1574G>T, p.Ser525Ile (NM_001371656.1, NM_001374820.1, NM_001438482.1 and 9 more transcripts); short protein forms S525I.
Identifiers: ClinVar variation 4801394 (VCV004801394.1).
Genomic context (GRCh38, chr6:156,779,254, plus strand): 5'-TGCTCACCTCGCCCAGCCCCATGATGCGGAGCTACGGCGGCAGCTACCCCGAGTACAGCA[G>T]CCCCAGCGCGCCGCCGCCGCCGCCGTCGCAGCCCCAGTCCCAGGCGGCGGCGGCGGGGGC-3'
Protein context (NP_001361757.1, residues 515-535): SYGGSYPEYS[Ser525Ile]PSAPPPPPSQ